The following is an entry in ClinVar:

NM_033026.6(PCLO):c.15365T>A (p.Val5122Glu)

Gene: PCLO (piccolo presynaptic cytomatrix protein; minus strand). Cytogenetic location: 7q21.11.
Variant type: single nucleotide variant.
Coding change: c.15365T>A on transcript NM_033026.6 (MANE Select); coding-DNA position 15365, T replaced by A.
Protein change: p.Val5122Glu; replaces valine 5122 with glutamic acid.
Molecular consequence: missense variant.
Genome position (GRCh38, 1-based): chr7:82,758,639, A>T on the plus strand (T>A on the coding strand, the complement: PCLO is on the minus strand). VCF-style: chr7-82758639-A-T. GRCh37 (hg19) VCF-style: chr7-82387955-A-T.
Other names: short protein forms V5122E.
Identifiers: ClinVar variation 1944786 (VCV001944786.5), dbSNP rs2535086800, ClinGen allele CA368019194.

ClinVar aggregate classification (germline): Uncertain significance (1 of 4 stars; one submission).

Allele frequency attached by ClinVar (database versions not stated): gnomAD exomes below 0.00001.
gnomAD v4.1: 2 of 1,611,588 alleles (0.00012%); highest among the groups gnomAD compares: Non-Finnish European, 0.000085%; no homozygotes.

Submission:

Labcorp Genetics (formerly Invitae), Labcorp
Classification: Uncertain significance. Last evaluated: 2022-06-14. Review status: criteria provided, single submitter. Criteria: Invitae Variant Classification Sherloc (09022015). Collection method: clinical testing. Allele origin: germline.
Comment: In summary, the available evidence is currently insufficient to determine the role of this variant in disease. Therefore, it has been classified as a Variant of Uncertain Significance. Algorithms developed to predict the effect of missense changes on protein structure and function are either unavailable or do not agree on the potential impact of this missense change (SIFT: "Deleterious"; PolyPhen-2: "Not Available"; Align-GVGD: "Class C0"). This variant has not been reported in the literature in individuals affected with PCLO-related conditions. This variant is not present in population databases (gnomAD no frequency). This sequence change replaces valine, which is neutral and non-polar, with glutamic acid, which is acidic and polar, at codon 5122 of the PCLO protein (p.Val5122Glu).